The following is an entry in ClinVar:

ClinVar aggregate classification (germline): Conflicting classifications of pathogenicity. Review status: criteria provided, conflicting classifications (1 of 4 stars). 3 submissions from 3 submitters: Uncertain significance (1); Likely benign (2). Last evaluated 2026-08-10.

Conditions:
Cardiomyopathy (CMYO). Also called: Cardiomyopathies. Identifiers: Orphanet 167848, MedGen C0878544, MONDO:0004994, HP:0001638. Inheritance: Various modes of inheritance.
Cardiovascular phenotype. Identifiers: MedGen CN230736.
Catecholaminergic polymorphic ventricular tachycardia 1. Also called: VENTRICULAR TACHYCARDIA, CATECHOLAMINERGIC POLYMORPHIC, 1, WITH OR WITHOUT ATRIAL DYSFUNCTION AND/OR DILATED CARDIOMYOPATHY; RYR2-Related Catecholaminergic Polymorphic Ventricular Tachycardia; VENTRICULAR TACHYCARDIA, STRESS-INDUCED POLYMORPHIC 1. Identifiers: Orphanet 3286, MedGen C1631597, MONDO:0011484, OMIM 604772.

Allele frequency attached by ClinVar (database versions not stated): ExAC 0.00002; TOPMed 0.00002; gnomAD exomes 0.00001 and 0.00005; gnomAD 0.00001.
gnomAD v4.1: 15 of 1,611,446 alleles (0.00093%); highest among the groups gnomAD compares: East Asian, 0.029%; no homozygotes.

Submissions (3):

Ambry Genetics
Classification: Uncertain significance for Cardiovascular phenotype. Last evaluated: 2026-08-10. Review status: criteria provided, single submitter. Criteria: Ambry Variant Classification Scheme 2023. Collection method: clinical testing. Allele origin: germline.
Comment: The p.D3539N variant (also known as c.10615G>A), located in coding exon 74 of the RYR2 gene, results from a G to A substitution at nucleotide position 10615. The aspartic acid at codon 3539 is replaced by asparagine, an amino acid with highly similar properties. This amino acid position is conserved. In addition, this alteration is predicted to be tolerated by in silico analysis. Based on the available evidence, the clinical significance of this variant remains unclear.

Labcorp Genetics (formerly Invitae), Labcorp
Classification: Likely benign for Catecholaminergic polymorphic ventricular tachycardia 1. Last evaluated: 2024-12-22. Review status: criteria provided, single submitter. Criteria: Invitae Variant Classification Sherloc (09022015). Collection method: clinical testing. Allele origin: germline.

Color Diagnostics, LLC DBA Color Health
Classification: Likely benign for Cardiomyopathy. Last evaluated: 2018-11-09. Review status: criteria provided, single submitter. Criteria: ACMG Guidelines, 2015. Collection method: clinical testing. Allele origin: germline.

NM_001035.3(RYR2):c.10615G>A (p.Asp3539Asn)

Gene: RYR2 (ryanodine receptor 2; plus strand). Cytogenetic location: 1q43.
Variant type: single nucleotide variant.
Coding change: c.10615G>A on transcript NM_001035.3 (MANE Select); coding-DNA position 10615, G replaced by A.
Protein change: p.Asp3539Asn; replaces aspartic acid 3539 with asparagine.
Molecular consequence: missense variant.
Genome position (GRCh38, 1-based): chr1:237,723,188, G>A. VCF-style: chr1-237723188-G-A. GRCh37 (hg19) VCF-style: chr1-237886488-G-A.
Other names: c.10615G>A (NM_001035.2); short protein forms D3539N.
Identifiers: ClinVar variation 921873 (VCV000921873.12), dbSNP rs766991919, ClinGen allele CA084424.
Genomic context (GRCh38, chr1:237,723,188, plus strand): 5'-TTGGAGGATCCTGCTATTAGATGGCAAATGGCTCTTTACAAAGACTTACCAAACAGGACT[G>A]ATGATACCTCAGATCCAGAGAAGACGGTAGAAAGAGTATTGGATATAGCAAATGTGCTTT-3'
Protein context (NP_001026.2, residues 3529-3549): ALYKDLPNRT[Asp3539Asn]DTSDPEKTVE